The following is an entry in ClinVar:

ClinVar aggregate classification (germline): Likely benign (1 of 4 stars; one submission).

Conditions:
Congenital generalized lipodystrophy type 4. Also called: BERARDINELLI-SEIP CONGENITAL LIPODYSTROPHY, TYPE 4, WITH MUSCULAR DYSTROPHY. Identifiers: Orphanet 228429, MedGen C2750069, MONDO:0013225, OMIM 613327.

Allele frequency attached by ClinVar (database versions not stated): 1000 Genomes Project 30x 0.00125; 1000 Genomes Project 0.00180.
gnomAD v4.1: 431 of 726,210 alleles (0.059%); highest among the groups gnomAD compares: East Asian, 1.1%; 6 homozygotes.

Submission:

Illumina Laboratory Services, Illumina
Classification: Likely benign for Congenital generalized lipodystrophy type 4. Last evaluated: 2018-01-12. Review status: criteria provided, single submitter. Criteria: ICSL Variant Classification Criteria 13 December 2019. Collection method: clinical testing. Allele origin: germline.
Comment: This variant was observed in the ICSL laboratory as part of a predisposition screen in an ostensibly healthy population. It had not been previously curated by ICSL or reported in the Human Gene Mutation Database (HGMD: prior to June 1st, 2018), and was therefore a candidate for classification through an automated scoring system. Utilizing variant allele frequency, disease prevalence and penetrance estimates, and inheritance mode, an automated score was calculated to assess if this variant is too frequent to cause the disease. Based on the score and internal cut-off values, a variant classified as likely benign is not then subjected to further curation. The score for this variant resulted in a classification of likely benign for this disease.

NM_012232.6(CAVIN1):c.-133C>G

Gene: CAVIN1 (caveolae associated protein 1; minus strand). Cytogenetic location: 17q21.2.
Variant type: single nucleotide variant.
Coding change: c.-133C>G on transcript NM_012232.6 (MANE Select); 133 bases upstream of the start codon, C replaced by G.
Molecular consequence: 5 prime UTR variant.
Genome position (GRCh38, 1-based): chr17:42,423,230, G>C on the plus strand (C>G on the coding strand, the complement: CAVIN1 is on the minus strand). VCF-style: chr17-42423230-G-C. GRCh37 (hg19) VCF-style: chr17-40575248-G-C.
Identifiers: ClinVar variation 889827 (VCV000889827.4), dbSNP rs538472626, ClinGen allele CA290756779.
Genomic context (GRCh38, chr17:42,423,230, plus strand): 5'-GCGGAAGGGAGGAGAGCTAGCGGGCGAGAGCGGAGAGCAGAGGAAACTCGAGCCACGTCC[G>C]TGCGCACCGGGACAGCGGCCAGAACTGCTGGGCGGGGGATCGGTGAGCTCCCCAGCTCCC-3'